The following is an entry in ClinVar:

ClinVar aggregate classification (germline): Uncertain significance (1 of 4 stars; one submission).

Submission:

Labcorp Genetics (formerly Invitae), Labcorp
Classification: Uncertain significance. Last evaluated: 2024-03-18. Review status: criteria provided, single submitter. Criteria: Invitae Variant Classification Sherloc (09022015). Collection method: clinical testing. Allele origin: germline.
Comment: This sequence change creates a premature translational stop signal (p.Glu144*) in the PDX1 gene. While this is not anticipated to result in nonsense mediated decay, it is expected to disrupt the last 140 amino acid(s) of the PDX1 protein. This variant is not present in population databases (gnomAD no frequency). This variant has not been reported in the literature in individuals affected with PDX1-related conditions. Experimental studies and prediction algorithms are not available or were not evaluated, and the functional significance of this variant is currently unknown. In summary, the available evidence is currently insufficient to determine the role of this variant in disease. Therefore, it has been classified as a Variant of Uncertain Significance.

NM_000209.4(PDX1):c.430G>T (p.Glu144Ter)

Gene: PDX1 (pancreatic and duodenal homeobox 1; plus strand). Cytogenetic location: 13q12.2.
Variant type: single nucleotide variant.
Coding change: c.430G>T on transcript NM_000209.4 (MANE Select); coding-DNA position 430, G replaced by T.
Protein change: p.Glu144Ter; replaces glutamic acid 144 with a stop codon.
Molecular consequence: nonsense.
Genome position (GRCh38, 1-based): chr13:27,924,279, G>T. VCF-style: chr13-27924279-G-T. GRCh37 (hg19) VCF-style: chr13-28498416-G-T.
Other names: short protein forms E144*.
Identifiers: ClinVar variation 3646614 (VCV003646614.2).